The following is an entry in ClinVar:

ClinVar aggregate classification (germline): Benign. Review status: criteria provided, multiple submitters, no conflicts (2 of 4 stars). 3 submissions from 3 submitters: Benign (3). Last evaluated 2021-07-14.

Conditions:
Myopathy, centronuclear, 2 (CNM2). Also called: MYOTUBULAR MYOPATHY, AUTOSOMAL RECESSIVE. Identifiers: Orphanet 169186, MedGen CN031787, MONDO:0009709, OMIM 255200.

Allele frequency attached by ClinVar (database versions not stated): TOPMed 0.35870; 1000 Genomes Project 0.39896; gnomAD 0.35559 and 0.35075; 1000 Genomes Project 30x 0.40053.
gnomAD v4.1: 473,518 of 1,311,320 alleles (36%); highest among the groups gnomAD compares: South Asian, 48%; 87,707 homozygotes.

Submissions (3):

Genome-Nilou Lab
Classification: Benign for Myopathy, centronuclear, 2. Last evaluated: 2021-07-14. Review status: criteria provided, single submitter. Criteria: ACMG Guidelines, 2015. Collection method: clinical testing. Allele origin: germline. Affected: no.

GeneDx
Classification: Benign. Last evaluated: 2018-06-14. Review status: criteria provided, single submitter. Criteria: GeneDx Variant Classification (06012015). Collection method: clinical testing. Allele origin: germline. Affected: yes.
Comment: This variant is considered likely benign or benign based on one or more of the following criteria: it is a conservative change, it occurs at a poorly conserved position in the protein, it is predicted to be benign by multiple in silico algorithms, and/or has population frequency not consistent with disease.

Breakthrough Genomics
Classification: Benign. Review status: criteria provided, single submitter. Criteria: ACMG Guidelines, 2015. Collection method: not provided. Allele origin: germline. Inheritance: Autosomal recessive inheritance. Affected: yes.

NM_139343.3(BIN1):c.1573-128T>A

Gene: BIN1 (bridging integrator 1; minus strand). Cytogenetic location: 2q14.3.
Variant type: single nucleotide variant.
Coding change: c.1573-128T>A on transcript NM_139343.3 (MANE Select); 128 bases into the intron before coding-DNA position 1573, T replaced by A.
Molecular consequence: intron variant.
Genome position (GRCh38, 1-based): chr2:127,050,650, A>T on the plus strand (T>A on the coding strand, the complement: BIN1 is on the minus strand). VCF-style: chr2-127050650-A-T. GRCh37 (hg19) VCF-style: chr2-127808226-A-T.
Other names: c.1492-128T>A (NM_001320642.1); c.949-128T>A (NM_001320634.1); c.1021-128T>A (NM_139351.3); c.1111-128T>A (NM_139350.3); c.1219-128T>A (NM_139349.3); c.1240-128T>A (NM_139348.3); c.1348-128T>A (NM_139347.3); c.1480-128T>A (NM_001320641.2); and 7 more.
Identifiers: ClinVar variation 678269 (VCV000678269.5), dbSNP rs2071270, ClinGen allele CA11082037.